The following is an entry in ClinVar:

NM_000059.4(BRCA2):c.1039C>A (p.Gln347Lys)

Gene: BRCA2 (BRCA2 DNA repair associated; plus strand). Cytogenetic location: 13q13.1.
Variant type: single nucleotide variant.
Coding change: c.1039C>A on transcript NM_000059.4 (MANE Select); coding-DNA position 1039, C replaced by A.
Protein change: p.Gln347Lys; replaces glutamine 347 with lysine.
Molecular consequence: missense variant.
Genome position (GRCh38, 1-based): chr13:32,332,517, C>A. VCF-style: chr13-32332517-C-A. GRCh37 (hg19) VCF-style: chr13-32906654-C-A.
Other names: short protein forms Q347K.
Identifiers: ClinVar variation 193553 (VCV000193553.15), dbSNP rs794726967, ClinGen allele CA010623.

ClinVar aggregate classification (germline): Conflicting classifications of pathogenicity. Review status: criteria provided, conflicting classifications (1 of 4 stars). 5 submissions from 5 submitters: Uncertain significance (3); Likely benign (2). Last evaluated 2025-02-19.

Conditions:
Hereditary cancer-predisposing syndrome. Also called: Tumor predisposition; Neoplastic Syndromes, Hereditary; Hereditary Cancer Syndrome; Hereditary neoplastic syndrome. Identifiers: Orphanet 140162, MedGen C0027672, MeSH D009386, MONDO:0015356.
Hereditary breast ovarian cancer syndrome. Also called: Hereditary breast and ovarian cancer; Hereditary breast and/or ovarian cancer syndrome; BRCA1- and BRCA2-Associated Hereditary Breast and Ovarian Cancer; Breast and ovarian cancer; Hereditary breast and ovarian cancer syndrome; Hereditary breast and ovarian cancer syndrome (HBOC). Identifiers: Orphanet 145, MedGen C0677776, MeSH D061325, MONDO:0003582. Disease mechanism: loss of function.

Allele frequency attached by ClinVar (database versions not stated): TOPMed below 0.00001.
gnomAD v4.1: 2 of 1,610,740 alleles (0.00012%); highest among the groups gnomAD compares: African/African-American, 0.0027%; no homozygotes.

Submissions (5):

Labcorp Genetics (formerly Invitae), Labcorp
Classification: Uncertain significance for Hereditary breast ovarian cancer syndrome. Last evaluated: 2025-02-19. Review status: criteria provided, single submitter. Criteria: Invitae Variant Classification Sherloc (09022015). Collection method: clinical testing. Allele origin: germline.
Comment: This sequence change replaces glutamine, which is neutral and polar, with lysine, which is basic and polar, at codon 347 of the BRCA2 protein (p.Gln347Lys). This variant is not present in population databases (gnomAD no frequency). This variant has not been reported in the literature in individuals affected with BRCA2-related conditions. ClinVar contains an entry for this variant (Variation ID: 193553). Invitae Evidence Modeling of protein sequence and biophysical properties (such as structural, functional, and spatial information, amino acid conservation, physicochemical variation, residue mobility, and thermodynamic stability) indicates that this missense variant is not expected to disrupt BRCA2 protein function with a negative predictive value of 95%. In summary, the available evidence is currently insufficient to determine the role of this variant in disease. Therefore, it has been classified as a Variant of Uncertain Significance.

Ambry Genetics
Classification: Likely benign for Hereditary cancer-predisposing syndrome. Last evaluated: 2024-01-19. Review status: criteria provided, single submitter. Criteria: Ambry Variant Classification Scheme 2023. Collection method: clinical testing. Allele origin: germline.

University of Washington Department of Laboratory Medicine, University of Washington
Classification: Likely benign for Hereditary cancer-predisposing syndrome. Last evaluated: 2023-03-23. Review status: criteria provided, single submitter. Criteria: Dines et al. (Genet Med. 2020). Collection method: curation. Allele origin: germline.
Comment: Missense variant in a coldspot region where missense variants are very unlikely to be pathogenic (PMID:31911673).

BRCA2 exon 10 coldspot. Reclassification based on statistical prior probability.

Blueprint Genetics
Classification: Uncertain significance. Last evaluated: 2022-09-09. Review status: criteria provided, single submitter. Criteria: ACMG Guidelines, 2015. Collection method: clinical testing. Allele origin: germline.

Eurofins Ntd Llc (ga)
Classification: Uncertain significance. Last evaluated: 2014-10-22. Review status: criteria provided, single submitter. Criteria: EGL Classification Definitions 2015. Collection method: clinical testing. Allele origin: germline. Observed: 1 variant allele, 1 heterozygote.